The following is an entry in ClinVar:

NM_002742.3(PRKD1):c.1456G>A (p.Gly486Arg)

Gene: PRKD1 (protein kinase D1; minus strand). Cytogenetic location: 14q12.
Variant type: single nucleotide variant.
Coding change: c.1456G>A on transcript NM_002742.3 (MANE Select); coding-DNA position 1456, G replaced by A.
Protein change: p.Gly486Arg; replaces glycine 486 with arginine.
Molecular consequence: missense variant.
Genome position (GRCh38, 1-based): chr14:29,630,958, C>T on the plus strand (G>A on the coding strand, the complement: PRKD1 is on the minus strand). VCF-style: chr14-29630958-C-T. GRCh37 (hg19) VCF-style: chr14-30100164-C-T.
Other names: c.1480G>A, p.Gly494Arg (NM_001330069.2); c.1192G>A, p.Gly398Arg (NM_001348390.1); short protein forms G486R, G494R, G398R.
Identifiers: ClinVar variation 931739 (VCV000931739.6), dbSNP rs142868862, ClinGen allele CA7141150.
Genomic context (GRCh38, chr14:29,630,958, plus strand): 5'-TTTCTCCCACATAATACACTACATTTGCCGTAGTGATTTCGAAACAATGAGGATTGGCCC[C>T]ATTAGGAATTAAAGCTGAAGTTTTTACTGGTTCCAGAGACAAAATTTCAGATAAAGGAAT-3'
Protein context (NP_002733.2, residues 476-496): PVKTSALIPN[Gly486Arg]ANPHCFEITT

ClinVar aggregate classification (germline): Uncertain significance. Review status: criteria provided, multiple submitters, no conflicts (2 of 4 stars). 2 submissions from 2 submitters: Uncertain significance (2). Last evaluated 2025-08-26.

Conditions:
Congenital heart defects and ectodermal dysplasia (CHDED). Identifiers: MedGen C4479250, MONDO:0044303, OMIM 617364.

Allele frequency attached by ClinVar (database versions not stated): ExAC 0.00005; gnomAD exomes 0.00006 and 0.00017; ESP Exome Variant Server 0.00008; TOPMed 0.00010; gnomAD 0.00011.
gnomAD v4.1: 259 of 1,613,754 alleles (0.016%); highest among the groups gnomAD compares: Non-Finnish European, 0.021%; no homozygotes.

Submissions (2):

Ambry Genetics
Classification: Uncertain significance. Last evaluated: 2025-08-26. Review status: criteria provided, single submitter. Criteria: Ambry Variant Classification Scheme 2023. Collection method: clinical testing. Allele origin: germline.

Centre for Mendelian Genomics, University Medical Centre Ljubljana
Classification: Uncertain significance for Congenital heart defects and ectodermal dysplasia. Last evaluated: 2019-09-06. Review status: criteria provided, single submitter. Criteria: ACMG Guidelines, 2015. Collection method: clinical testing. Allele origin: unknown. Affected: yes.
Comment: This variant was classified as: Uncertain significance. The available evidence on this variant's pathogenicity is insufficient or conflicting. The following ACMG criteria were applied in classifying this variant: PP3,BS2.